The following is an entry in ClinVar:

ClinVar aggregate classification (germline): Uncertain significance (1 of 4 stars; one submission).

Submission:

Labcorp Genetics (formerly Invitae), Labcorp
Classification: Uncertain significance. Last evaluated: 2024-07-19. Review status: criteria provided, single submitter. Criteria: Invitae Variant Classification Sherloc (09022015). Collection method: clinical testing. Allele origin: germline.
Comment: This variant, c.355_357dup, results in the insertion of 1 amino acid(s) of the CHD4 protein (p.Lys119dup), but otherwise preserves the integrity of the reading frame. The frequency data for this variant in the population databases is considered unreliable, as metrics indicate poor data quality at this position in the gnomAD database. This variant has not been reported in the literature in individuals affected with CHD4-related conditions. In summary, the available evidence is currently insufficient to determine the role of this variant in disease. Therefore, it has been classified as a Variant of Uncertain Significance.

NM_001273.5(CHD4):c.340AAG[7] (p.Lys119_Leu120insLys)

Gene: CHD4 (chromodomain helicase DNA binding protein 4; minus strand). Cytogenetic location: 12p13.31.
Variant type: Microsatellite.
Coding change: c.340AAG[7] on transcript NM_001273.5 (MANE Select); seven copies in a row of the 3-base unit AAG starting at c.340; the reference has six copies in a row; one copy, 3 bases duplicated.
Protein change: p.Lys119_Leu120insLys.
Molecular consequence: inframe insertion.
Genome position (GRCh38, 1-based): chr12:6,602,041-6,602,043, CTT duplicated on the plus strand (AAG on the coding strand, the reverse complement: CHD4 is on the minus strand); duplicating any 3 consecutive bases within chr12:6,602,041-6,602,058 gives the same sequence; the position shown is the placement nearest the transcript's 3' end. VCF-style (leftmost placement, unchanged base first): chr12-6602040-G-GCTT. GRCh37 (hg19) VCF-style: chr12-6711206-G-GCTT.
Other names: c.319AAG[7], p.Lys112_Leu113insLys (NM_001297553.2); c.340AAG[7], p.Lys119_Leu120insLys (NM_001363606.2).
Identifiers: ClinVar variation 3621749 (VCV003621749.2).
Genomic context (GRCh38, chr12:6,602,040, plus strand): 5'-CCTCCTCCTCCTCCTCCTCCTTCCGCTTGGATTTGCTCTTCTTCTCTTTCTTAGGTCCAA[G>GCTT]CTTCTTCTTCTTCTTCTTGCCAGGAGTATAGTCGCTGCCCTCACTGTCTGAGCGCAGAGC-3'